The following is an entry in ClinVar:

NM_000138.5(FBN1):c.2368T>G (p.Cys790Gly)

Gene: FBN1 (fibrillin 1; minus strand). Cytogenetic location: 15q21.1.
Variant type: single nucleotide variant.
Coding change: c.2368T>G on transcript NM_000138.5 (MANE Select); coding-DNA position 2368, T replaced by G.
Protein change: p.Cys790Gly; replaces cysteine 790 with glycine.
Molecular consequence: missense variant.
Genome position (GRCh38, 1-based): chr15:48,496,151, A>C on the plus strand (T>G on the coding strand, the complement: FBN1 is on the minus strand). VCF-style: chr15-48496151-A-C. GRCh37 (hg19) VCF-style: chr15-48788348-A-C.
Other names: c.2368T>G, p.Cys790Gly (NM_001406716.1); short protein forms C790G.
Identifiers: ClinVar variation 2137702 (VCV002137702.5), dbSNP rs1555399270, ClinGen allele CA392335396.
Genomic context (GRCh38, chr15:48,496,151, plus strand): 5'-ATGGTTTACCTTCACATGTTTTTAGATCAGGTTTGTAGATAAATCCCTTGGGGCAGGTAC[A>C]GACAAAACTTCCAGGAGTATTTCTACATTGTCCATTGTCACAAAGGAGACTGTTCAGTAC-3'
Protein context (NP_000129.3, residues 780-800): QCRNTPGSFV[Cys790Gly]TCPKGFIYKP

ClinVar aggregate classification (germline): Pathogenic/Likely pathogenic. Review status: criteria provided, multiple submitters, no conflicts (2 of 4 stars). 2 submissions from 2 submitters: Pathogenic (1); Likely pathogenic (1). Last evaluated 2022-10-26.

Conditions:
Familial thoracic aortic aneurysm and aortic dissection (TAAD). Also called: Thoracic aortic aneurysms and dissections. Identifiers: Orphanet 91387, MedGen C4707243, MONDO:0019625.
Marfan syndrome (MFS). Also called: MARFAN SYNDROME, TYPE I; Marfan syndrome type 1; Marfan's syndrome; Marfan syndrome, classic; FBN1-Related Marfan Syndrome. Identifiers: Orphanet 284963, Orphanet 558, MedGen C0024796, MONDO:0007947, OMIM 154700.
FBN1-related disorder. Also called: FBN1-related disorders.

Submissions (2):

Labcorp Genetics (formerly Invitae), Labcorp
Classification: Pathogenic for Marfan syndrome; Familial thoracic aortic aneurysm and aortic dissection. Last evaluated: 2022-10-26. Review status: criteria provided, single submitter. Criteria: Invitae Variant Classification Sherloc (09022015). Collection method: clinical testing. Allele origin: germline.
Comment: This sequence change replaces cysteine, which is neutral and slightly polar, with glycine, which is neutral and non-polar, at codon 790 of the FBN1 protein (p.Cys790Gly). This variant is not present in population databases (gnomAD no frequency). This missense change has been observed in individual(s) with clinical features of Marfan syndrome (PMID: 19293843). Advanced modeling of protein sequence and biophysical properties (such as structural, functional, and spatial information, amino acid conservation, physicochemical variation, residue mobility, and thermodynamic stability) performed at Invitae indicates that this missense variant is expected to disrupt FBN1 protein function. This variant affects a cysteine residue in the EGF-like, TGFBP or hybrid motif domains of FBN1. Cysteine residues are believed to be involved in intramolecular disulfide bridges and have been shown to be important for FBN1 protein structure (PMID: 16905551, 19349279). In addition, missense substitutions affecting cysteine residues within these domains are significantly overrepresented among patients with Marfan syndrome (PMID: 16571647, 17701892). This variant disrupts the p.Cys790 amino acid residue in FBN1. Other variant(s) that disrupt this residue have been observed in individuals with FBN1-related conditions (PMID: 19293843, 21542060, 22876116), which suggests that this may be a clinically significant amino acid residue. For these reasons, this variant has been classified as Pathogenic.

Blueprint Genetics
Classification: Likely pathogenic for FBN1-related disorders. Last evaluated: 2022-06-28. Review status: criteria provided, single submitter. Criteria: ACMG Guidelines, 2015. Collection method: clinical testing. Allele origin: germline. Affected: yes. Observed: 1 variant allele.

Literature cited by the submitters: PubMed 19293843 (cited by Labcorp Genetics (formerly Invitae), Labcorp); PubMed 16905551 (cited by Labcorp Genetics (formerly Invitae), Labcorp); PubMed 19349279 (cited by Labcorp Genetics (formerly Invitae), Labcorp); PubMed 16571647 (cited by Labcorp Genetics (formerly Invitae), Labcorp); PubMed 17701892 (cited by Labcorp Genetics (formerly Invitae), Labcorp); PubMed 21542060 (cited by Labcorp Genetics (formerly Invitae), Labcorp); PubMed 22876116 (cited by Labcorp Genetics (formerly Invitae), Labcorp).